The following is an entry in ClinVar:

ClinVar aggregate classification (germline): Conflicting classifications of pathogenicity. Review status: criteria provided, conflicting classifications (1 of 4 stars). 5 submissions from 5 submitters: Uncertain significance (3); Likely benign (1). 1 of the submissions does not count toward it. Last evaluated 2026-09-09.

Conditions:
Inborn genetic diseases. Identifiers: MedGen C0950123, MeSH D030342.
CC2D1A-related disorder. Also called: CC2D1A-related condition.

Allele frequency attached by ClinVar (database versions not stated): gnomAD exomes 0.00013 and 0.00031; ExAC 0.00035; 1000 Genomes Project 0.00060; 1000 Genomes Project 30x 0.00094; ESP Exome Variant Server 0.00105; gnomAD 0.00128 and 0.00141; TOPMed 0.00152.
gnomAD v4.1: 396 of 1,613,624 alleles (0.025%); highest among the groups gnomAD compares: African/African-American, 0.44%; 2 homozygotes.

Submissions (5):

GeneDx
Classification: Uncertain significance. Last evaluated: 2026-09-09. Review status: criteria provided, single submitter. Criteria: GeneDx Variant Classification Process June 2021. Collection method: clinical testing. Allele origin: germline.
Comment: In silico analysis supports that this missense variant has a deleterious effect on protein structure/function; Has not been previously published as pathogenic or benign to our knowledge

Labcorp Genetics (formerly Invitae), Labcorp
Classification: Likely benign. Last evaluated: 2026-01-19. Review status: criteria provided, single submitter. Criteria: Invitae Variant Classification Sherloc (09022015). Collection method: clinical testing. Allele origin: germline.

Ambry Genetics
Classification: Uncertain significance for Inborn genetic diseases. Last evaluated: 2019-06-16. Review status: criteria provided, single submitter. Criteria: Ambry Variant Classification Scheme 2023. Collection method: clinical testing. Allele origin: germline.
Comment: The p.R791Q variant (also known as c.2372G>A), located in coding exon 23 of the CC2D1A gene, results from a G to A substitution at nucleotide position 2372. The arginine at codon 791 is replaced by glutamine, an amino acid with highly similar properties. This amino acid position is highly conserved in available vertebrate species. In addition, this alteration is predicted to be inconclusive by in silico analysis. Since supporting evidence is limited at this time, the clinical significance of this alteration remains unclear.

Genetic Services Laboratory, University of Chicago
Classification: Uncertain significance. Last evaluated: 2017-01-19. Review status: criteria provided, single submitter. Criteria: ACMG Guidelines, 2015. Collection method: clinical testing. Allele origin: germline. Affected: no.

PreventionGenetics, part of Exact Sciences
Classification: Likely benign for CC2D1A-related condition. Last evaluated: 2023-12-27. Review status: no assertion criteria provided. Collection method: clinical testing. Allele origin: germline. Not counted in ClinVar's aggregate classification.
Comment: This variant is classified as likely benign based on ACMG/AMP sequence variant interpretation guidelines (Richards et al. 2015 PMID: 25741868, with internal and published modifications).

NM_017721.5(CC2D1A):c.2372G>A (p.Arg791Gln)

Gene: CC2D1A (coiled-coil and C2 domain containing 1A; plus strand). Cytogenetic location: 19p13.12.
Variant type: single nucleotide variant.
Coding change: c.2372G>A on transcript NM_017721.5 (MANE Select); coding-DNA position 2372, G replaced by A.
Protein change: p.Arg791Gln; replaces arginine 791 with glutamine.
Molecular consequence: missense variant.
Genome position (GRCh38, 1-based): chr19:13,927,948, G>A. VCF-style: chr19-13927948-G-A. GRCh37 (hg19) VCF-style: chr19-14038761-G-A.
Other names: short protein forms R791Q.
Identifiers: ClinVar variation 434608 (VCV000434608.20), dbSNP rs200354654, ClinGen allele CA9245052.